The following is an entry in ClinVar:

NM_007327.4(GRIN1):c.793+15T>C

Gene: GRIN1 (glutamate ionotropic receptor NMDA type subunit 1; plus strand). Cytogenetic location: 9q34.3.
Variant type: single nucleotide variant.
Coding change: c.793+15T>C on transcript NM_007327.4 (MANE Select); 15 bases into the intron after coding-DNA position 793, T replaced by C.
Molecular consequence: intron variant.
Genome position (GRCh38, 1-based): chr9:137,156,805, T>C. VCF-style: chr9-137156805-T-C. GRCh37 (hg19) VCF-style: chr9-140051257-T-C.
Other names: c.856+15T>C (NM_001185090.2, NM_001185091.2); c.793+15T>C (NM_021569.4, NM_000832.7).
Identifiers: ClinVar variation 389314 (VCV000389314.9), dbSNP rs200522831, ClinGen allele CA5360759.

ClinVar aggregate classification (germline): Likely benign. Review status: criteria provided, multiple submitters, no conflicts (2 of 4 stars). 2 submissions from 2 submitters: Likely benign (2). Last evaluated 2025-12-30.

Conditions:
Neurodevelopmental disorder with or without hyperkinetic movements and seizures, autosomal dominant. Also called: Intellectual disability, autosomal dominant 8. Identifiers: MedGen C3280282, MONDO:0013655, OMIM 614254.

Allele frequency attached by ClinVar (database versions not stated): gnomAD 0.00011; gnomAD exomes 0.00012 and 0.00018; TOPMed 0.00015; ExAC 0.00018; 1000 Genomes Project 0.00040; 1000 Genomes Project 30x 0.00047.
gnomAD v4.1: 269 of 1,599,350 alleles (0.017%); highest among the groups gnomAD compares: Non-Finnish European, 0.02%; no homozygotes.

Submissions (2):

Labcorp Genetics (formerly Invitae), Labcorp
Classification: Likely benign for Neurodevelopmental disorder with or without hyperkinetic movements and seizures, autosomal dominant. Last evaluated: 2025-12-30. Review status: criteria provided, single submitter. Criteria: Invitae Variant Classification Sherloc (09022015). Collection method: clinical testing. Allele origin: germline.

GeneDx
Classification: Likely benign. Last evaluated: 2017-06-06. Review status: criteria provided, single submitter. Criteria: GeneDx Variant Classification (06012015). Collection method: clinical testing. Allele origin: germline. Affected: yes.
Comment: This variant is considered likely benign or benign based on one or more of the following criteria: it is a conservative change, it occurs at a poorly conserved position in the protein, it is predicted to be benign by multiple in silico algorithms, and/or has population frequency not consistent with disease.